The following is an entry in ClinVar:

ClinVar aggregate classification (germline): Uncertain significance. Review status: criteria provided, multiple submitters, no conflicts (2 of 4 stars). 4 submissions from 4 submitters: Uncertain significance (4). Last evaluated 2026-03-18.

Conditions:
Inborn genetic diseases. Identifiers: MedGen C0950123, MeSH D030342.
Mitochondrial DNA depletion syndrome 13. Also called: Mitochondrial DNA depletion syndrome 13 (encephalomyopathic type); FBXL4-Related Encephalomyopathic Mitochondrial DNA Depletion Syndrome. Identifiers: Orphanet 369897, MedGen C3809592, MONDO:0014198, OMIM 615471.

Allele frequency attached by ClinVar (database versions not stated): ExAC 0.00001; gnomAD 0.00001; gnomAD exomes 0.00001; TOPMed 0.00001; ESP Exome Variant Server 0.00008.
gnomAD v4.1: 14 of 1,613,964 alleles (0.00087%); highest among the groups gnomAD compares: African/African-American, 0.0013%; no homozygotes.

Submissions (4):

GeneDx
Classification: Uncertain significance. Last evaluated: 2026-03-18. Review status: criteria provided, single submitter. Criteria: GeneDx Variant Classification Process June 2021. Collection method: clinical testing. Allele origin: germline.
Comment: Not observed at significant frequency in large population cohorts (gnomAD); In silico analysis suggests that this missense variant does not alter protein structure/function; Has not been previously published as pathogenic or benign to our knowledge

Ambry Genetics
Classification: Uncertain significance for Inborn genetic diseases. Last evaluated: 2022-07-30. Review status: criteria provided, single submitter. Criteria: Ambry Variant Classification Scheme 2023. Collection method: clinical testing. Allele origin: germline.

Labcorp Genetics (formerly Invitae), Labcorp
Classification: Uncertain significance. Last evaluated: 2022-02-09. Review status: criteria provided, single submitter. Criteria: Invitae Variant Classification Sherloc (09022015). Collection method: clinical testing. Allele origin: germline.
Comment: This sequence change replaces isoleucine, which is neutral and non-polar, with valine, which is neutral and non-polar, at codon 246 of the FBXL4 protein (p.Ile246Val). This variant is present in population databases (rs148621221, gnomAD 0.007%). This variant has not been reported in the literature in individuals affected with FBXL4-related conditions. ClinVar contains an entry for this variant (Variation ID: 437625). Advanced modeling of protein sequence and biophysical properties (such as structural, functional, and spatial information, amino acid conservation, physicochemical variation, residue mobility, and thermodynamic stability) performed at Invitae indicates that this missense variant is not expected to disrupt FBXL4 protein function. In summary, the available evidence is currently insufficient to determine the role of this variant in disease. Therefore, it has been classified as a Variant of Uncertain Significance.

Wong Mito Lab, Molecular and Human Genetics, Baylor College of Medicine
Classification: Uncertain significance for Mitochondrial DNA depletion syndrome 13. Last evaluated: 2017-08-10. Review status: criteria provided, single submitter. Criteria: ACMG Guidelines, 2015. Collection method: reference population. Allele origin: germline.
Comment: The NM_012160.4:c.736A>G (NP_036292.2:p.Ile246Val) [GRCH38: NC_000006.12:g.98917496T>C] variant in FBXL4 gene is interpretated to be a Uncertain Significance - Conflicting Evidence based on ACMG guidelines (PMID: 25741868). This variant meets one or more of the following evidence codes reported in the ACMG-guideline. PM2:This variant is absent in key population databases. BP4:Computational evidence/predictors indicate no impact on the FBXL4 structure, function, or protein-protein interaction. Based on this evidence code ClinGen Pathogenicity Calculator (PMID:28081714) suggested that the variant is Uncertain Significance - Conflicting Evidence.

NM_001278716.2(FBXL4):c.736A>G (p.Ile246Val)

Gene: FBXL4 (F-box and leucine rich repeat protein 4; minus strand). Cytogenetic location: 6q16.2.
Variant type: single nucleotide variant.
Coding change: c.736A>G on transcript NM_001278716.2 (MANE Select); coding-DNA position 736, A replaced by G.
Protein change: p.Ile246Val; replaces isoleucine 246 with valine.
Molecular consequence: missense variant.
Genome position (GRCh38, 1-based): chr6:98,917,496, T>C on the plus strand (A>G on the coding strand, the complement: FBXL4 is on the minus strand). VCF-style: chr6-98917496-T-C. GRCh37 (hg19) VCF-style: chr6-99365372-T-C.
Other names: c.736A>G, p.Ile246Val (NM_012160.5); c.736A>G (NM_012160.3); short protein forms I246V.
Identifiers: ClinVar variation 437625 (VCV000437625.7), dbSNP rs148621221, ClinGen allele CA3933627.